The following is an entry in ClinVar:

ClinVar aggregate classification (germline): Uncertain significance (1 of 4 stars; one submission).

Allele frequency attached by ClinVar (database versions not stated): TOPMed below 0.00001; gnomAD 0.00001.
gnomAD v4.1: 1 of 1,614,066 alleles (0.000062%); highest among the groups gnomAD compares: African/African-American, 0.0013%; no homozygotes.

Submission:

Labcorp Genetics (formerly Invitae), Labcorp
Classification: Uncertain significance. Last evaluated: 2023-08-04. Review status: criteria provided, single submitter. Criteria: Invitae Variant Classification Sherloc (09022015). Collection method: clinical testing. Allele origin: germline.
Comment: In summary, the available evidence is currently insufficient to determine the role of this variant in disease. Therefore, it has been classified as a Variant of Uncertain Significance. Advanced modeling of protein sequence and biophysical properties (such as structural, functional, and spatial information, amino acid conservation, physicochemical variation, residue mobility, and thermodynamic stability) performed at Invitae indicates that this missense variant is not expected to disrupt MPV17 protein function. ClinVar contains an entry for this variant (Variation ID: 2093052). This variant has not been reported in the literature in individuals affected with MPV17-related conditions. This variant is present in population databases (no rsID available, gnomAD 0.01%). This sequence change replaces glutamic acid, which is acidic and polar, with valine, which is neutral and non-polar, at codon 45 of the MPV17 protein (p.Glu45Val).

NM_002437.5(MPV17):c.134A>T (p.Glu45Val)

Gene: MPV17 (mitochondrial inner membrane protein MPV17; minus strand). Cytogenetic location: 2p23.3.
Variant type: single nucleotide variant.
Coding change: c.134A>T on transcript NM_002437.5 (MANE Select); coding-DNA position 134, A replaced by T.
Protein change: p.Glu45Val; replaces glutamic acid 45 with valine.
Molecular consequence: missense variant.
Genome position (GRCh38, 1-based): chr2:27,313,046, T>A on the plus strand (A>T on the coding strand, the complement: MPV17 is on the minus strand). VCF-style: chr2-27313046-T-A. GRCh37 (hg19) VCF-style: chr2-27535913-T-A.
Other names: short protein forms E45V.
Identifiers: ClinVar variation 2093052 (VCV002093052.4), dbSNP rs1376297227, ClinGen allele CA346209367.
Genomic context (GRCh38, chr2:27,313,046, plus strand): 5'-GAACTTACCACAAAGCCACAGCCCAGGGACACCATGGTCAGAGTCCGGCCTCTCTGGTGT[T>A]CCTGCAGACCCCGCCTCTCCACCAGCTGCTGTGAGATAATGTCACCCAGGCCCATCAGGG-3'
Protein context (NP_002428.1, residues 35-55): QQLVERRGLQ[Glu45Val]HQRGRTLTMV